The following is an entry in ClinVar:

ClinVar aggregate classification (germline): Uncertain significance (1 of 4 stars; one submission).

gnomAD v4.1: 1 of 1,614,230 alleles (0.000062%); highest among the groups gnomAD compares: Non-Finnish European, 0.000085%; no homozygotes.

Submission:

Women's Health and Genetics/Laboratory Corporation of America, LabCorp
Classification: Uncertain significance. Last evaluated: 2025-12-10. Review status: criteria provided, single submitter. Criteria: LabCorp Variant Classification Summary - May 2015. Collection method: clinical testing. Allele origin: germline.
Comment: Variant summary: VCP c.2008G>A (p.Val670Met) results in a conservative amino acid change in the encoded protein sequence. Algorithms developed to predict the effect of missense changes on protein structure and function are either unavailable or do not agree on the potential impact of this missense change. The variant was absent in 251482 control chromosomes. The available data on variant occurrences in the general population are insufficient to allow any conclusion about variant significance. To our knowledge, no occurrence of c.2008G>A in individuals affected with VCP-related conditions and no experimental evidence demonstrating its impact on protein function have been reported. No submitters have cited clinical-significance assessments for this variant to ClinVar. Based on the evidence outlined above, the variant was classified as uncertain significance.

NM_007126.5(VCP):c.2008G>A (p.Val670Met)

Gene: VCP (valosin containing protein; minus strand). Cytogenetic location: 9p13.3.
Variant type: single nucleotide variant.
Coding change: c.2008G>A on transcript NM_007126.5 (MANE Select); coding-DNA position 2008, G replaced by A.
Protein change: p.Val670Met; replaces valine 670 with methionine.
Molecular consequence: missense variant.
Genome position (GRCh38, 1-based): chr9:35,059,216, C>T on the plus strand (G>A on the coding strand, the complement: VCP is on the minus strand). VCF-style: chr9-35059216-C-T. GRCh37 (hg19) VCF-style: chr9-35059213-C-T.
Other names: c.1873G>A, p.Val625Met (NM_001354927.2, NM_001354928.2); short protein forms V625M, V670M.
Identifiers: ClinVar variation 4688427 (VCV004688427.1).
Genomic context (GRCh38, chr9:35,059,216, plus strand): 5'-TCTCTGTCAGGTCAGCTCCAGAGAAGCCATTAGTCATTTTAGCCAGGAACTCCAAGTCCA[C>T]ATCCTAAAAGCAGCAGCAGAGGTACCTTAGCATTTAGCCTCTCCTCTCGAGATACGCAGA-3'
Protein context (NP_009057.1, residues 660-680): NLRKSPVAKD[Val670Met]DLEFLAKMTN